The following is an entry in ClinVar:

ClinVar aggregate classification (germline): Uncertain significance. Review status: criteria provided, single submitter (1 of 4 stars). 2 submissions from 2 submitters: Uncertain significance (1). 1 of the submissions does not count toward it. Last evaluated 2022-06-27.

Conditions:
NPR2-related disorder. Also called: NPR2-related condition; NPR2-related disorders.
Acromesomelic dysplasia 1, Maroteaux type (AMD1). Also called: ST. HELENA DYSPLASIA; ACROMESOMELIC DYSPLASIA 1. Identifiers: Orphanet 40, MedGen C1864356, MONDO:0011275, OMIM 602875.
Tall stature-scoliosis-macrodactyly of the great toes syndrome. Also called: Epiphyseal chondrodysplasia, miura type. Identifiers: Orphanet 329191, MedGen C4014690, MONDO:0014401, OMIM 615923.

Allele frequency attached by ClinVar (database versions not stated): gnomAD exomes below 0.00001; ExAC 0.00002; TOPMed 0.00003; gnomAD 0.00005; ESP Exome Variant Server 0.00015.
gnomAD v4.1: 13 of 1,614,054 alleles (0.00081%); highest among the groups gnomAD compares: African/African-American, 0.016%; no homozygotes.

Submissions (2):

Labcorp Genetics (formerly Invitae), Labcorp
Classification: Uncertain significance for Tall stature-scoliosis-macrodactyly of the great toes syndrome; Acromesomelic dysplasia 1, Maroteaux type. Last evaluated: 2022-06-27. Review status: criteria provided, single submitter. Criteria: Invitae Variant Classification Sherloc (09022015). Collection method: clinical testing. Allele origin: germline.
Comment: This variant has not been reported in the literature in individuals affected with NPR2-related conditions. In summary, the available evidence is currently insufficient to determine the role of this variant in disease. Therefore, it has been classified as a Variant of Uncertain Significance. Variants that disrupt the consensus splice site are a relatively common cause of aberrant splicing (PMID: 17576681, 9536098). Algorithms developed to predict the effect of sequence changes on RNA splicing suggest that this variant is not likely to affect RNA splicing. This variant is present in population databases (rs376464483, gnomAD 0.02%). This sequence change falls in intron 16 of the NPR2 gene. It does not directly change the encoded amino acid sequence of the NPR2 protein. It affects a nucleotide within the consensus splice site.

PreventionGenetics, part of Exact Sciences
Classification: Likely benign for NPR2-related condition. Last evaluated: 2021-05-05. Review status: no assertion criteria provided. Collection method: clinical testing. Allele origin: germline. Not counted in ClinVar's aggregate classification.
Comment: This variant is classified as likely benign based on ACMG/AMP sequence variant interpretation guidelines (Richards et al. 2015 PMID: 25741868, with internal and published modifications).

Literature cited by the submitters: PubMed 17576681 (cited by Labcorp Genetics (formerly Invitae), Labcorp); PubMed 9536098 (cited by Labcorp Genetics (formerly Invitae), Labcorp).

NM_003995.4(NPR2):c.2520-3T>C

Gene: NPR2 (natriuretic peptide receptor 2; plus strand). Cytogenetic location: 9p13.3.
Variant type: single nucleotide variant.
Coding change: c.2520-3T>C on transcript NM_003995.4 (MANE Select); 3 bases into the intron before coding-DNA position 2520, T replaced by C.
Molecular consequence: intron variant.
Genome position (GRCh38, 1-based): chr9:35,807,020, T>C. VCF-style: chr9-35807020-T-C. GRCh37 (hg19) VCF-style: chr9-35807017-T-C.
Other names: c.2529-3T>C (NM_001378923.1); c.2520-3T>C (NM_003995.3).
Identifiers: ClinVar variation 2070658 (VCV002070658.6), dbSNP rs376464483, ClinGen allele CA5051998.